The following is an entry in ClinVar:

ClinVar aggregate classification (germline): Uncertain significance. Review status: criteria provided, multiple submitters, no conflicts (2 of 4 stars). 3 submissions from 3 submitters: Uncertain significance (3). Last evaluated 2024-03-26.

Conditions:
Familial melanoma. Also called: Hereditary melanoma; Hereditary cutaneous melanoma. Identifiers: Orphanet 618, MedGen C1512419, MONDO:0018961.
Hereditary cancer-predisposing syndrome. Also called: Neoplastic Syndromes, Hereditary; Tumor predisposition; Hereditary Cancer Syndrome; Hereditary neoplastic syndrome. Identifiers: Orphanet 140162, MedGen C0027672, MeSH D009386, MONDO:0015356.
Melanoma and neural system tumor syndrome. Also called: MELANOMA-ASTROCYTOMA SYNDROME. Identifiers: Orphanet 252206, MedGen C1835042, MONDO:0007967, OMIM 155755.

Submissions (3):

Labcorp Genetics (formerly Invitae), Labcorp
Classification: Uncertain significance for Familial melanoma. Last evaluated: 2024-03-26. Review status: criteria provided, single submitter. Criteria: Invitae Variant Classification Sherloc (09022015). Collection method: clinical testing. Allele origin: germline.
Comment: This sequence change replaces asparagine, which is neutral and polar, with serine, which is neutral and polar, at codon 39 of the CDKN2A (p16INK4a) protein (p.Asn39Ser). This variant is not present in population databases (gnomAD no frequency). This variant has not been reported in the literature in individuals affected with CDKN2A (p16INK4a)-related conditions. ClinVar contains an entry for this variant (Variation ID: 2136748). An algorithm developed to predict the effect of missense changes on protein structure and function (PolyPhen-2) suggests that this variant is likely to be disruptive. In summary, the available evidence is currently insufficient to determine the role of this variant in disease. Therefore, it has been classified as a Variant of Uncertain Significance.

Baylor Genetics
Classification: Uncertain significance for Melanoma and neural system tumor syndrome. Last evaluated: 2024-03-11. Review status: criteria provided, single submitter. Criteria: ACMG Guidelines, 2015. Collection method: clinical testing. Allele origin: unknown.

Ambry Genetics
Classification: Uncertain significance for Hereditary cancer-predisposing syndrome. Last evaluated: 2023-09-21. Review status: criteria provided, single submitter. Criteria: Ambry Variant Classification Scheme 2023. Collection method: clinical testing. Allele origin: germline.
Comment: The p.N39S variant (also known as c.116A>G), located in coding exon 1 of the CDKN2A gene, results from an A to G substitution at nucleotide position 116. The asparagine at codon 39 is replaced by serine, an amino acid with highly similar properties. In a study of 236 sporadic multiple primary melanoma patients and 466 familial melanoma patients belonging to 330 high-risk melanoma-prone families, this alteration was identified in one melanoma-prone family (Potrony M et al. J Am Acad Dermatol, 2014 Nov;71:888-95). This alteration was not identified in 220 African American pancreatic cancer cases and was identified in 1/900 non-cancer African American controls (McWilliams RR et al. Cancer Epidemiol Biomarkers Prev, 2018 Nov;27:1364-1370). This amino acid position is not well conserved in available vertebrate species. In addition, the in silico prediction for this alteration is inconclusive. Since supporting evidence is limited at this time, the clinical significance of this alteration remains unclear.

Literature cited by the submitters: PubMed 25064638 (cited by Ambry Genetics); PubMed 30038052 (cited by Ambry Genetics).

NM_000077.5(CDKN2A):c.116A>G (p.Asn39Ser)

Gene: CDKN2A (cyclin dependent kinase inhibitor 2A; minus strand). Cytogenetic location: 9p21.3.
Variant type: single nucleotide variant.
Coding change: c.116A>G on transcript NM_000077.5; coding-DNA position 116, A replaced by G.
Protein change: p.Asn39Ser; replaces asparagine 39 with serine.
Molecular consequence: missense variant (on NM_000077.6). On other transcripts: intron variant (2).
Genome position (GRCh38, 1-based): chr9:21,974,712, T>C on the plus strand (A>G on the coding strand, the complement: CDKN2A is on the minus strand). VCF-style: chr9-21974712-T-C. GRCh37 (hg19) VCF-style: chr9-21974711-T-C.
Other names: c.116A>G, p.Asn39Ser (NM_000077.6, NM_001195132.2, NM_058197.5); c.-3-3504A>G (NM_001363763.2); c.194-3504A>G (NM_058195.4); short protein forms N39S.
Identifiers: ClinVar variation 2136748 (VCV002136748.6), dbSNP rs1554656306, ClinGen allele CA373086538.
Genomic context (GRCh38, chr9:21,974,712, plus strand): 5'-GCTCCCGCTGCAGACCCTCTACCCACCTGGATCGGCCTCCGACCGTAACTATTCGGTGCG[T>C]TGGGCAGCGCCCCCGCCTCCAGCAGCGCCCGCACCTCCTCTACCCGACCCCGGGCCGCGG-3'
Protein context (NP_000068.1, residues 29-49): RALLEAGALP[Asn39Ser]APNSYGRRPI